The following is an entry in ClinVar:

ClinVar aggregate classification (germline): Uncertain significance (1 of 4 stars; one submission).

Conditions:
Short-rib thoracic dysplasia 13 with or without polydactyly (SRTD13). Identifiers: Orphanet 474, MedGen C4225378, MONDO:0014577, OMIM 616300.

Allele frequency attached by ClinVar (database versions not stated): TOPMed 0.00001; gnomAD exomes 0.00002; ExAC 0.00005.

Submission:

Labcorp Genetics (formerly Invitae), Labcorp
Classification: Uncertain significance for Short-rib thoracic dysplasia 13 with or without polydactyly. Last evaluated: 2022-05-27. Review status: criteria provided, single submitter. Criteria: Invitae Variant Classification Sherloc (09022015). Collection method: clinical testing. Allele origin: germline.
Comment: This variant is present in population databases (rs748162358, gnomAD 0.005%). This variant, c.2226_2234del, results in the deletion of 3 amino acid(s) of the CEP120 protein (p.Glu743_Gln745del), but otherwise preserves the integrity of the reading frame. This variant has not been reported in the literature in individuals affected with CEP120-related conditions. Experimental studies and prediction algorithms are not available or were not evaluated, and the functional significance of this variant is currently unknown. In summary, the available evidence is currently insufficient to determine the role of this variant in disease. Therefore, it has been classified as a Variant of Uncertain Significance.

NM_001375405.1(CEP120):c.2226_2234del (p.Glu743_Gln745del)

Gene: CEP120 (centrosomal protein 120; minus strand). Cytogenetic location: 5q23.2.
Variant type: Deletion.
Coding change: c.2226_2234del on transcript NM_001375405.1 (MANE Select); coding-DNA positions 2226 to 2234, 9 bases deleted (AGAACGTCA; older notation c.2226_2234delAGAACGTCA).
Protein change: p.Glu743_Gln745del.
Molecular consequence: inframe deletion. On other transcripts: non-coding transcript variant (1).
Genome position (GRCh38, 1-based): chr5:123,377,498-123,377,506, TGACGTTCT deleted on the plus strand (AGAACGTCA on the coding strand, the reverse complement: CEP120 is on the minus strand). VCF-style (leftmost placement, unchanged base first): chr5-123377497-CTGACGTTCT-C. GRCh37 (hg19) VCF-style: chr5-122713191-CTGACGTTCT-C.
Other names: c.2148_2156del, p.Glu717_Gln719del (NM_001166226.2); c.2091_2099del, p.Glu698_Gln700del (NM_001375406.1); c.2226_2234del, p.Glu743_Gln745del (NM_001375407.1, NM_153223.4); c.1653_1661del, p.Glu552_Gln554del (NM_001375408.1, NM_001375409.1).
Identifiers: ClinVar variation 1975312 (VCV001975312.5), dbSNP rs748162358, ClinGen allele CA3386687.